The following is an entry in ClinVar:

ClinVar aggregate classification (germline): Uncertain significance. Review status: criteria provided, multiple submitters, no conflicts (2 of 4 stars). 2 submissions from 2 submitters: Uncertain significance (2). Last evaluated 2024-07-11.

Conditions:
Benign neonatal seizures. Also called: Benign familial neonatal epilepsy; Benign neonatal familial convulsions; Benign familial neonatal seizures; Convulsions benign familial neonatal dominant form; Autosomal dominant form of benign neonatal seizures. Identifiers: Orphanet 1949, MedGen C0220669, MONDO:0016027.

Submissions (2):

Labcorp Genetics (formerly Invitae), Labcorp
Classification: Uncertain significance for Benign neonatal seizures. Last evaluated: 2024-07-11. Review status: criteria provided, single submitter. Criteria: Invitae Variant Classification Sherloc (09022015). Collection method: clinical testing. Allele origin: germline.
Comment: This sequence change replaces glycine, which is neutral and non-polar, with serine, which is neutral and polar, at codon 23 of the KCNQ3 protein (p.Gly23Ser). This variant is not present in population databases (gnomAD no frequency). This variant has not been reported in the literature in individuals affected with KCNQ3-related conditions. ClinVar contains an entry for this variant (Variation ID: 1163893). Advanced modeling of protein sequence and biophysical properties (such as structural, functional, and spatial information, amino acid conservation, physicochemical variation, residue mobility, and thermodynamic stability) performed at Invitae indicates that this missense variant is not expected to disrupt KCNQ3 protein function with a negative predictive value of 95%. In summary, the available evidence is currently insufficient to determine the role of this variant in disease. Therefore, it has been classified as a Variant of Uncertain Significance.

Mayo Clinic Laboratories, Mayo Clinic
Classification: Uncertain significance. Last evaluated: 2020-07-16. Review status: criteria provided, single submitter. Criteria: ACMG Guidelines, 2015. Collection method: clinical testing. Allele origin: germline. Observed: 1 variant allele.

NM_004519.4(KCNQ3):c.67G>A (p.Gly23Ser)

Gene: KCNQ3 (potassium voltage-gated channel subfamily Q member 3; minus strand). Cytogenetic location: 8q24.22.
Variant type: single nucleotide variant.
Coding change: c.67G>A on transcript NM_004519.4 (MANE Select); coding-DNA position 67, G replaced by A.
Protein change: p.Gly23Ser; replaces glycine 23 with serine.
Molecular consequence: missense variant.
Genome position (GRCh38, 1-based): chr8:132,480,466, C>T on the plus strand (G>A on the coding strand, the complement: KCNQ3 is on the minus strand). VCF-style: chr8-132480466-C-T. GRCh37 (hg19) VCF-style: chr8-133492713-C-T.
Other names: short protein forms G23S.
Identifiers: ClinVar variation 1163893 (VCV001163893.7), dbSNP rs2130875367, ClinGen allele CA372292962.
Genomic context (GRCh38, chr8:132,480,466, plus strand): 5'-CTTTCCGCTCCTCGTCGCCGGCCGCCGCCGCGTCCCCTCCGGCTGGGTTAGCCGCCCCGC[C>T]GCCTCCGCCGCCCCCGTCGCCGCCGCCGCCAGCCGCCCCCGCCGCCCTGCGCGCCTTGAG-3'
Protein context (NP_004510.1, residues 13-33): GGGGDGGGGG[Gly23Ser]GAANPAGGDA